The following is an entry in ClinVar:

ClinVar aggregate classification (germline): Uncertain significance. Review status: criteria provided, multiple submitters, no conflicts (2 of 4 stars). 3 submissions from 3 submitters: Uncertain significance (3). Last evaluated 2023-07-14.

Conditions:
Inborn genetic diseases. Identifiers: MedGen C0950123, MeSH D030342.

Allele frequency attached by ClinVar (database versions not stated): gnomAD 0.00001 and 0.00003; TOPMed 0.00003; gnomAD exomes 0.00005 and 0.00006; ExAC 0.00006; 1000 Genomes Project 30x 0.00016; 1000 Genomes Project 0.00020.
gnomAD v4.1: 89 of 1,611,180 alleles (0.0055%); highest among the groups gnomAD compares: East Asian, 0.2%; no homozygotes.

Submissions (3):

Ambry Genetics
Classification: Uncertain significance for Inborn genetic diseases. Last evaluated: 2023-07-14. Review status: criteria provided, single submitter. Criteria: Ambry Variant Classification Scheme 2023. Collection method: clinical testing. Allele origin: germline.

Laboratory for Molecular Medicine, Mass General Brigham Personalized Medicine
Classification: Uncertain significance. Last evaluated: 2019-09-25. Review status: criteria provided, single submitter. Criteria: LMM Criteria. Collection method: clinical testing. Allele origin: germline. Observed: 1 variant allele.
Comment: The p.Ser1749Asn variant in PCDH15 has not been previously reported in individuals with Usher syndrome but has been identified in 0.06% (13/19392) of East Asian chromosomes by gnomAD. Computational prediction tools and conservation analyses do not provide strong support for or against an impact to the protein. In summary, the clinical significance of this variant is uncertain. ACMG/AMP Criteria applied: PM2_Supporting.

Blueprint Genetics
Classification: Uncertain significance. Last evaluated: 2017-12-06. Review status: criteria provided, single submitter. Criteria: ACMG Guidelines, 2015. Collection method: clinical testing. Allele origin: germline.

NM_001384140.1(PCDH15):c.4672-1689G>A

Gene: PCDH15 (protocadherin related 15; minus strand). Cytogenetic location: 10q21.1.
Variant type: single nucleotide variant.
Coding change: c.4672-1689G>A on transcript NM_001384140.1 (MANE Select); 1689 bases into the intron before coding-DNA position 4672, G replaced by A.
Molecular consequence: intron variant. On other transcripts: missense variant (2), 3 prime UTR variant (1).
Genome position (GRCh38, 1-based): chr10:53,808,819, C>T on the plus strand (G>A on the coding strand, the complement: PCDH15 is on the minus strand). VCF-style: chr10-53808819-C-T. GRCh37 (hg19) VCF-style: chr10-55568579-C-T.
Other names: c.5246G>A, p.Ser1749Asn (NM_001142769.4); c.*661G>A (NM_001142770.3); c.5225G>A, p.Ser1742Asn (NM_001354411.2); c.4477-1689G>A (NM_001354420.2); c.4606-1689G>A (NM_001354429.2); c.4483-1689G>A (NM_001142772.2); c.4498-1689G>A (NM_001142771.2); short protein forms S1742N, S1749N.
Identifiers: ClinVar variation 929913 (VCV000929913.7), dbSNP rs185457086, ClinGen allele CA5504695.